The following is an entry in ClinVar:

ClinVar aggregate classification (germline): Conflicting classifications of pathogenicity. Review status: criteria provided, conflicting classifications (1 of 4 stars). 3 submissions from 3 submitters: Likely pathogenic (2); Uncertain significance (1). Last evaluated 2025-06-06.

Conditions:
Tumor predisposition syndrome 3 (TPDS3). Also called: Glioma susceptibility 9; LONG TELOMERE SYNDROME, POT1-RELATED; POT1 Tumor Predisposition; Melanoma, cutaneous malignant, susceptibility to, 10. Identifiers: Orphanet 618, MedGen C4014476, MONDO:0014368, OMIM 615848.
Hereditary cancer-predisposing syndrome. Also called: Hereditary neoplastic syndrome; Hereditary Cancer Syndrome; Neoplastic Syndromes, Hereditary; Tumor predisposition. Identifiers: Orphanet 140162, MedGen C0027672, MeSH D009386, MONDO:0015356.

Allele frequency attached by ClinVar (database versions not stated): gnomAD exomes below 0.00001.
gnomAD v4.1: 2 of 1,613,836 alleles (0.00012%); highest among the groups gnomAD compares: Non-Finnish European, 0.00017%; no homozygotes.

Submissions (3):

Ambry Genetics
Classification: Likely pathogenic for Hereditary cancer-predisposing syndrome. Last evaluated: 2025-06-06. Review status: criteria provided, single submitter. Criteria: Ambry Variant Classification Scheme 2023. Collection method: clinical testing. Allele origin: germline.
Comment: The p.P116L variant (also known as c.347C>T), located in coding exon 4 of the POT1 gene, results from a C to T substitution at nucleotide position 347. The proline at codon 116 is replaced by leucine, an amino acid with similar properties. This alteration has been observed in at least one individual with a personal and/or family history that is consistent with POT1-related disease (Ambry internal data). This alteration has been reported in a patient with sporadic cardiac angiosarcoma (Calvete O et al. Eur. J. Hum. Genet., 2017 11;25:1278-1281). It was also reported in an individual with multiple primary melanomas and breast cancer diagnosis; however, this individual also had a CHEK2 variant (Stolarova L et al. Biomedicines, 2020 Oct;8:). Functional studies showed that p.P116L could bind TPP1, but was unable to bind telomeric DNA (Stolarova L et al. Biomedicines, 2020 Oct;8). Based on internal structural analysis, P116L is more disruptive to the structure of the OB1 domain than a nearby pathogenic variant (Ambry internal data). This variant is considered to be rare based on population cohorts in the Genome Aggregation Database (gnomAD). This amino acid position is well conserved in available vertebrate species. In addition, the in silico prediction for this alteration is inconclusive. Based on the majority of available evidence to date, this variant is likely to be pathogenic.

Centre of Medical Genetics, University Hospital Muenster
Classification: Likely pathogenic. Last evaluated: 2024-02-23. Review status: criteria provided, single submitter. Criteria: ACMG Guidelines, 2015. Collection method: clinical testing. Allele origin: unknown. Affected: yes. Observed: 1 variant allele, 1 heterozygote.
Comment: ACMG categories: PS3,PM2,PP3

Labcorp Genetics (formerly Invitae), Labcorp
Classification: Uncertain significance for Tumor predisposition syndrome 3. Last evaluated: 2023-01-22. Review status: criteria provided, single submitter. Criteria: Invitae Variant Classification Sherloc (09022015). Collection method: clinical testing. Allele origin: germline.
Comment: This sequence change replaces proline, which is neutral and non-polar, with leucine, which is neutral and non-polar, at codon 116 of the POT1 protein (p.Pro116Leu). This variant is not present in population databases (gnomAD no frequency). In summary, the available evidence is currently insufficient to determine the role of this variant in disease. Therefore, it has been classified as a Variant of Uncertain Significance. Experimental studies have shown that this missense change affects POT1 function (PMID: 33050356). Advanced modeling of protein sequence and biophysical properties (such as structural, functional, and spatial information, amino acid conservation, physicochemical variation, residue mobility, and thermodynamic stability) performed at Invitae indicates that this missense variant is not expected to disrupt POT1 protein function. ClinVar contains an entry for this variant (Variation ID: 475081). This missense change has been observed in individual(s) with cardiac angiosarcoma and/or melanoma (PMID: 28853721, 33050356).

Literature cited by the submitters: PubMed 28853721 (cited by Ambry Genetics and Labcorp Genetics (formerly Invitae), Labcorp); PubMed 32720348 (cited by Ambry Genetics); PubMed 33050356 (cited by Ambry Genetics and Labcorp Genetics (formerly Invitae), Labcorp).

NM_015450.3(POT1):c.347C>T (p.Pro116Leu)

Gene: POT1 (protection of telomeres 1; minus strand). Cytogenetic location: 7q31.33.
Variant type: single nucleotide variant.
Coding change: c.347C>T on transcript NM_015450.3 (MANE Select); coding-DNA position 347, C replaced by T.
Protein change: p.Pro116Leu; replaces proline 116 with leucine.
Molecular consequence: missense variant. On other transcripts: 5 prime UTR variant (1), non-coding transcript variant (3).
Genome position (GRCh38, 1-based): chr7:124,863,549, G>A on the plus strand (C>T on the coding strand, the complement: POT1 is on the minus strand). VCF-style: chr7-124863549-G-A. GRCh37 (hg19) VCF-style: chr7-124503603-G-A.
Other names: c.-47C>T (NM_001042594.2); short protein forms P116L.
Identifiers: ClinVar variation 475081 (VCV000475081.13), dbSNP rs1554426966, ClinGen allele CA369059982.